The following is an entry in ClinVar:

NM_000051.4(ATM):c.1146C>G (p.Val382=)

Gene: ATM (ATM serine/threonine kinase; plus strand). Cytogenetic location: 11q22.3.
Variant type: single nucleotide variant.
Coding change: c.1146C>G on transcript NM_000051.4 (MANE Select); coding-DNA position 1146, C replaced by G.
Protein change: p.Val382=; no amino-acid change (valine 382 retained).
Molecular consequence: synonymous variant.
Genome position (GRCh38, 1-based): chr11:108,249,013, C>G. VCF-style: chr11-108249013-C-G. GRCh37 (hg19) VCF-style: chr11-108119740-C-G.
Other names: c.1146C>G, p.Val382= (NM_001351834.2).
Identifiers: ClinVar variation 1573410 (VCV001573410.9), dbSNP rs786201150, ClinGen allele CA476671720.

ClinVar aggregate classification (germline): Benign/Likely benign. Review status: criteria provided, multiple submitters, no conflicts (2 of 4 stars). 2 submissions from 2 submitters: Benign (1); Likely benign (1). Last evaluated 2024-04-25.

Conditions:
Familial cancer of breast. Also called: Hereditary breast cancer; BREAST CANCER, FAMILIAL; hereditary breast carcinoma. Identifiers: Orphanet 227535, MedGen C0346153, MONDO:0016419, OMIM 114480. Disease mechanism: loss of function.
Ataxia-telangiectasia syndrome (AT). Also called: ATAXIA-TELANGIECTASIA, COMPLEMENTATION GROUP A; Ataxia telangiectasia (A-T); Ataxia-telangiectasia, complementation group E; Ataxia-telangiectasia; Cerebello-oculocutaneous telangiectasia; Immunodeficiency with ataxia telangiectasia. Identifiers: Orphanet 100, MedGen C0004135, MONDO:0008840, OMIM 208900.

Submissions (2):

Myriad Genetics, Inc.
Classification: Benign for Familial cancer of breast. Last evaluated: 2024-04-25. Review status: criteria provided, single submitter. Criteria: Myriad Autosomal Dominant, Autosomal Recessive and X-Linked Classification Criteria (2023). Collection method: clinical testing. Allele origin: unknown.
Comment: This variant is considered benign. This variant is a silent/synonymous amino acid change and it is not expected to impact splicing.

Labcorp Genetics (formerly Invitae), Labcorp
Classification: Likely benign for Ataxia-telangiectasia syndrome. Last evaluated: 2022-07-13. Review status: criteria provided, single submitter. Criteria: Invitae Variant Classification Sherloc (09022015). Collection method: clinical testing. Allele origin: germline.